The following is an entry in ClinVar:

NM_001099415.3(POM121C):c.1404G>A (p.Thr468=)

Gene: POM121C (POM121 transmembrane nucleoporin C; minus strand). Cytogenetic location: 7q11.23.
Variant type: single nucleotide variant.
Coding change: c.1404G>A on transcript NM_001099415.3 (MANE Select); coding-DNA position 1404, G replaced by A.
Protein change: p.Thr468=; no amino-acid change (threonine 468 retained).
Molecular consequence: synonymous variant.
Genome position (GRCh38, 1-based): chr7:75,422,848, C>T on the plus strand (G>A on the coding strand, the complement: POM121C is on the minus strand). VCF-style: chr7-75422848-C-T. GRCh37 (hg19) VCF-style: chr7-75052131-C-T.
Identifiers: ClinVar variation 3389156 (VCV003389156.14).
Genomic context (GRCh38, chr7:75,422,848, plus strand): 5'-TGTGGCTGAGACTGAAGGGCCAGGCGGTGTGAGGCCTTCCTTCTCACTCTTGGGTGGAGC[C>T]GTGAAAATGGGCTTGAACATGGGAGATGCTGAAGATGCAGCAGGGGCGGCAGGGCTGGAA-3'
Protein context (NP_001092885.2, residues 458-478): SASPMFKPIF[Thr468=]APPKSEKEGL

ClinVar aggregate classification (germline): Likely benign (1 of 4 stars; one submission).

Submission:

CeGaT Center for Human Genetics Tuebingen
Classification: Likely benign. Last evaluated: 2024-11-01. Review status: criteria provided, single submitter. Criteria: CeGaT Center For Human Genetics Tuebingen Variant Classification Criteria Version 2. Collection method: clinical testing. Allele origin: germline. Affected: yes. Observed: 1 variant allele.
Comment: POM121C: BP4, BP7